The following is an entry in ClinVar:

NM_033026.6(PCLO):c.2239del (p.Ala747fs)

Gene: PCLO (piccolo presynaptic cytomatrix protein; minus strand). Cytogenetic location: 7q21.11.
Variant type: Deletion.
Coding change: c.2239del on transcript NM_033026.6 (MANE Select); coding-DNA position 2239, one base deleted (G; older notation c.2239delG).
Protein change: p.Ala747fs; shifts the reading frame from alanine 747.
Molecular consequence: frameshift variant.
Genome position (GRCh38, 1-based): chr7:83,135,311, C deleted on the plus strand (G on the coding strand, the reverse complement: PCLO is on the minus strand); the first of 2 consecutive C bases (chr7:83,135,311-83,135,312); deleting either gives the same sequence. VCF-style (leftmost placement, unchanged base first): chr7-83135310-GC-G. GRCh37 (hg19) VCF-style: chr7-82764626-GC-G.
Other names: c.2239del, p.Ala747fs (NM_014510.3); short protein forms A747fs.
Identifiers: ClinVar variation 3903271 (VCV003903271.1).

ClinVar aggregate classification (germline): Uncertain significance (1 of 4 stars; one submission).

Submission:

GeneDx
Classification: Uncertain significance. Last evaluated: 2024-05-13. Review status: criteria provided, single submitter. Criteria: GeneDx Variant Classification Process June 2021. Collection method: clinical testing. Allele origin: germline. Affected: yes.
Comment: Not observed at significant frequency in large population cohorts (gnomAD); Frameshift variant predicted to result in protein truncation or nonsense mediated decay in a gene or region of a gene for which loss of function is not a well-established mechanism of disease; Has not been previously published as pathogenic or benign to our knowledge; Variants in candidate genes are classified as variants of uncertain significance in accordance with ACMG guidelines (PMID: 25741868)